The following is an entry in ClinVar:

NM_003467.3(CXCR4):c.175G>A (p.Val59Ile)

Gene: CXCR4 (C-X-C motif chemokine receptor 4; minus strand). Cytogenetic location: 2q22.1.
Variant type: single nucleotide variant.
Coding change: c.175G>A on transcript NM_003467.3 (MANE Select); coding-DNA position 175, G replaced by A.
Protein change: p.Val59Ile; replaces valine 59 with isoleucine.
Molecular consequence: missense variant.
Genome position (GRCh38, 1-based): chr2:136,115,753, C>T on the plus strand (G>A on the coding strand, the complement: CXCR4 is on the minus strand). VCF-style: chr2-136115753-C-T. GRCh37 (hg19) VCF-style: chr2-136873323-C-T.
Other names: c.187G>A, p.Val63Ile (NM_001008540.2); c.388G>A, p.Val130Ile (NM_001348056.2); c.274G>A, p.Val92Ile (NM_001348059.2); c.130G>A, p.Val44Ile (NM_001348060.2); short protein forms V130I, V44I, V59I, V63I, V92I.
Identifiers: ClinVar variation 2431876 (VCV002431876.2), dbSNP rs1314188521, ClinGen allele CA348659966.

ClinVar aggregate classification (germline): Uncertain significance (1 of 4 stars; one submission).

Conditions:
WHIM syndrome 1 (WHIMS). Identifiers: Orphanet 51636, MedGen C5542296, MONDO:8000006, OMIM 193670.

Submission:

Laboratorio de Genetica e Diagnostico Molecular, Hospital Israelita Albert Einstein
Classification: Uncertain significance for WHIM syndrome 1. Last evaluated: 2022-06-02. Review status: criteria provided, single submitter. Criteria: ACMG Guidelines, 2015. Collection method: clinical testing. Allele origin: germline. Affected: yes.
Comment: ACMG classification criteria: PM2 moderated